The following is an entry in ClinVar:

ClinVar aggregate classification (germline): Likely benign. Review status: criteria provided, multiple submitters, no conflicts (2 of 4 stars). 3 submissions from 3 submitters: Likely benign (3). Last evaluated 2026-01-06.

Conditions:
DNMT3B-related disorder. Also called: DNMT3B-related condition.
Centromeric instability of chromosomes 1,9 and 16 and immunodeficiency (ICF1). Also called: CENTROMERIC INSTABILITY, IMMUNODEFICIENCY SYNDROME; IMMUNE DEFICIENCY, VARIABLE, WITH CENTROMERIC INSTABILITY OF CHROMOSOMES 1, 9, AND 16; IMMUNODEFICIENCY SYNDROME, VARIABLE; Immunodeficiency-centromeric instability-facial anomalies. Identifiers: Orphanet 2268, MedGen C0398788, MONDO:0000133.

Allele frequency attached by ClinVar (database versions not stated): 1000 Genomes Project 30x 0.00016; 1000 Genomes Project 0.00020; gnomAD 0.00024 and 0.00027; TOPMed 0.00026; ESP Exome Variant Server 0.00054.
gnomAD v4.1: 536 of 1,614,218 alleles (0.033%); highest among the groups gnomAD compares: South Asian, 0.089%; no homozygotes.

Submissions (3):

Labcorp Genetics (formerly Invitae), Labcorp
Classification: Likely benign for Centromeric instability of chromosomes 1,9 and 16 and immunodeficiency. Last evaluated: 2026-01-06. Review status: criteria provided, single submitter. Criteria: Invitae Variant Classification Sherloc (09022015). Collection method: clinical testing. Allele origin: germline.

PreventionGenetics, part of Exact Sciences
Classification: Likely benign for DNMT3B-related condition. Last evaluated: 2024-10-25. Review status: criteria provided, single submitter. Criteria: ACMG Guidelines, 2015. Collection method: clinical testing. Allele origin: germline.
Comment: This variant is classified as likely benign based on ACMG/AMP sequence variant interpretation guidelines (Richards et al. 2015 PMID: 25741868, with internal and published modifications).

Blueprint Genetics
Classification: Likely benign. Last evaluated: 2024-09-10. Review status: criteria provided, single submitter. Criteria: ACMG Guidelines, 2015. Collection method: clinical testing. Allele origin: germline.

NM_006892.4(DNMT3B):c.973T>C (p.Leu325=)

Gene: DNMT3B (DNA methyltransferase 3 beta; plus strand). Cytogenetic location: 20q11.21.
Variant type: single nucleotide variant.
Coding change: c.973T>C on transcript NM_006892.4 (MANE Select); coding-DNA position 973, T replaced by C.
Protein change: p.Leu325=; no amino-acid change (leucine 325 retained).
Molecular consequence: synonymous variant.
Genome position (GRCh38, 1-based): chr20:32,792,677, T>C. VCF-style: chr20-32792677-T-C. GRCh37 (hg19) VCF-style: chr20-31380483-T-C.
Other names: c.847T>C, p.Leu283= (NM_001207055.2); c.745T>C, p.Leu249= (NM_001207056.2); c.973T>C, p.Leu325= (NM_175848.2, NM_175849.2); c.1009T>C, p.Leu337= (NM_175850.3).
Identifiers: ClinVar variation 790930 (VCV000790930.13), dbSNP rs140978291, ClinGen allele CA9810365.